The following is an entry in ClinVar:

NM_013447.4(ADGRE2):c.2162T>C (p.Val721Ala)

Gene: ADGRE2 (adhesion G protein-coupled receptor E2; minus strand). Cytogenetic location: 19p13.12.
Variant type: single nucleotide variant.
Coding change: c.2162T>C on transcript NM_013447.4 (MANE Select); coding-DNA position 2162, T replaced by C.
Protein change: p.Val721Ala; replaces valine 721 with alanine.
Molecular consequence: missense variant.
Genome position (GRCh38, 1-based): chr19:14,746,253, A>G on the plus strand (T>C on the coding strand, the complement: ADGRE2 is on the minus strand). VCF-style: chr19-14746253-A-G. GRCh37 (hg19) VCF-style: chr19-14857065-A-G.
Other names: c.1988T>C, p.Val663Ala (NM_001271052.1); c.2015T>C, p.Val672Ala (NM_152916.2); c.1883T>C, p.Val628Ala (NM_152917.2); short protein forms V721A, V628A, V663A, V672A.
Identifiers: ClinVar variation 2570055 (VCV002570055.3), dbSNP rs1222129684, ClinGen allele CA404451670.

ClinVar aggregate classification (germline): Uncertain significance. Review status: criteria provided, multiple submitters, no conflicts (2 of 4 stars). 2 submissions from 2 submitters: Uncertain significance (2). Last evaluated 2025-08-03.

Allele frequency attached by ClinVar (database versions not stated): gnomAD exomes 0.00001; TOPMed 0.00001.
gnomAD v4.1: 12 of 1,605,270 alleles (0.00075%); highest among the groups gnomAD compares: Non-Finnish European, 0.001%; no homozygotes.

Submissions (2):

Labcorp Genetics (formerly Invitae), Labcorp
Classification: Uncertain significance. Last evaluated: 2025-08-03. Review status: criteria provided, single submitter. Criteria: Invitae Variant Classification Sherloc (09022015). Collection method: clinical testing. Allele origin: germline.
Comment: This sequence change replaces valine, which is neutral and non-polar, with alanine, which is neutral and non-polar, at codon 721 of the ADGRE2 protein (p.Val721Ala). This variant is present in population databases (no rsID available, gnomAD 0.002%). This variant has not been reported in the literature in individuals affected with ADGRE2-related conditions. ClinVar contains an entry for this variant (Variation ID: 2570055). An algorithm developed to predict the effect of missense changes on protein structure and function (PolyPhen-2) suggests that this variant is likely to be disruptive. In summary, the available evidence is currently insufficient to determine the role of this variant in disease. Therefore, it has been classified as a Variant of Uncertain Significance.

Ambry Genetics
Classification: Uncertain significance. Last evaluated: 2023-06-14. Review status: criteria provided, single submitter. Criteria: Ambry Variant Classification Scheme 2023. Collection method: clinical testing. Allele origin: germline.